The following is an entry in ClinVar:

ClinVar aggregate classification (germline): Uncertain significance (1 of 4 stars; one submission).

Submission:

Labcorp Genetics (formerly Invitae), Labcorp
Classification: Uncertain significance. Last evaluated: 2025-09-06. Review status: criteria provided, single submitter. Criteria: Invitae Variant Classification Sherloc (09022015). Collection method: clinical testing. Allele origin: germline.
Comment: This sequence change replaces glutamine, which is neutral and polar, with arginine, which is basic and polar, at codon 505 of the FZD4 protein (p.Gln505Arg). This variant is not present in population databases (gnomAD no frequency). This variant has not been reported in the literature in individuals affected with FZD4-related conditions. Invitae Evidence Modeling of protein sequence and biophysical properties (such as structural, functional, and spatial information, amino acid conservation, physicochemical variation, residue mobility, and thermodynamic stability) indicates that this missense variant is not expected to disrupt FZD4 protein function with a negative predictive value of 80%. In summary, the available evidence is currently insufficient to determine the role of this variant in disease. Therefore, it has been classified as a Variant of Uncertain Significance.

NM_012193.4(FZD4):c.1514A>G (p.Gln505Arg)

Genes: FZD4 (frizzled class receptor 4; minus strand), PRSS23 (serine protease 23; plus strand). Cytogenetic location: 11q14.2.
Variant type: single nucleotide variant.
Coding change: c.1514A>G on transcript NM_012193.4 (MANE Select); coding-DNA position 1514, A replaced by G.
Protein change: p.Gln505Arg; replaces glutamine 505 with arginine.
Molecular consequence: missense variant. On other transcripts: non-coding transcript variant (2).
Genome position (GRCh38, 1-based): chr11:86,951,242, T>C on the plus strand (A>G on the coding strand, the complement: FZD4 is on the minus strand). VCF-style: chr11-86951242-T-C. GRCh37 (hg19) VCF-style: chr11-86662284-T-C.
Other names: short protein forms Q505R.
Identifiers: ClinVar variation 4718493 (VCV004718493.1).